The following is an entry in ClinVar:

ClinVar aggregate classification (germline): Uncertain significance (1 of 4 stars; one submission).

Conditions:
Neurofibromatosis, type 1 (NF1). Also called: Peripheral type neurofibromatosis; Neurofibromatosis, type I; VON RECKLINGHAUSEN DISEASE; NEUROFIBROMATOSIS, TYPE I, SOMATIC. Identifiers: Orphanet 636, MedGen C0027831, MONDO:0018975, OMIM 162200. Disease mechanism: loss of function.

Submission:

Labcorp Genetics (formerly Invitae), Labcorp
Classification: Uncertain significance for Neurofibromatosis, type 1. Last evaluated: 2019-05-01. Review status: criteria provided, single submitter. Criteria: Invitae Variant Classification Sherloc (09022015). Collection method: clinical testing. Allele origin: germline.
Comment: In summary, the available evidence is currently insufficient to determine the role of this variant in disease. Therefore, it has been classified as a Variant of Uncertain Significance. Algorithms developed to predict the effect of missense changes on protein structure and function are either unavailable or do not agree on the potential impact of this missense change (SIFT: "Deleterious"; PolyPhen-2: "Probably Damaging"; Align-GVGD: "Class C0"). This variant has not been reported in the literature in individuals with NF1-related conditions. This variant is not present in population databases (ExAC no frequency). This sequence change replaces lysine with asparagine at codon 40 of the NF1 protein (p.Lys40Asn). The lysine residue is highly conserved and there is a moderate physicochemical difference between lysine and asparagine.

NM_001042492.3(NF1):c.120G>C (p.Lys40Asn)

Gene: NF1 (neurofibromin 1; plus strand). Cytogenetic location: 17q11.2.
Variant type: single nucleotide variant.
Coding change: c.120G>C on transcript NM_001042492.3 (MANE Select); coding-DNA position 120, G replaced by C.
Protein change: p.Lys40Asn; replaces lysine 40 with asparagine.
Molecular consequence: missense variant.
Genome position (GRCh38, 1-based): chr17:31,156,042, G>C. VCF-style: chr17-31156042-G-C. GRCh37 (hg19) VCF-style: chr17-29483060-G-C.
Other names: c.120G>C, p.Lys40Asn (NM_000267.4, NM_001128147.3); short protein forms K40N.
Identifiers: ClinVar variation 944433 (VCV000944433.6), dbSNP rs2065656004, ClinGen allele CA398988359.
Genomic context (GRCh38, chr17:31,156,042, plus strand): 5'-GCTTCCAATAAAAACAGGACAGCAGAACACACATACCAAAGTCAGTACTGAGCACAACAA[G>C]GAATGTCTAATCAATATTTCCAAATACAAGTTTTCTTTGGTTATAAGCGGCCTCACTACT-3'
Protein context (NP_001035957.1, residues 30-50): THTKVSTEHN[Lys40Asn]ECLINISKYK